The following is an entry in ClinVar:

ClinVar aggregate classification (germline): Uncertain significance (1 of 4 stars; one submission).

gnomAD v4.1: 3 of 1,613,128 alleles (0.00019%); highest among the groups gnomAD compares: Non-Finnish European, 0.00017%; no homozygotes.

Submission:

GeneDx
Classification: Uncertain significance. Last evaluated: 2026-02-20. Review status: criteria provided, single submitter. Criteria: GeneDx Variant Classification Process June 2021. Collection method: clinical testing. Allele origin: germline.
Comment: Observed in large aggregate dataset examining de novo variants in patients with various developmental disorders (PMID: 35982159); Not observed at significant frequency in large population cohorts (gnomAD); In silico analysis supports a deleterious effect on splicing; This variant is associated with the following publications: (PMID: 35982159)

NM_001148.6(ANK2):c.4372-6G>A

Gene: ANK2 (ankyrin 2; plus strand). Cytogenetic location: 4q26.
Variant type: single nucleotide variant.
Coding change: c.4372-6G>A on transcript NM_001148.6 (MANE Select); 6 bases into the intron before coding-DNA position 4372, G replaced by A.
Molecular consequence: intron variant.
Genome position (GRCh38, 1-based): chr4:113,348,270, G>A. VCF-style: chr4-113348270-G-A. GRCh37 (hg19) VCF-style: chr4-114269426-G-A.
Other names: c.4309-6G>A (NM_001354243.2, NM_001354255.2, NM_001386143.1); c.4210-6G>A (NM_001354262.2, NM_001354275.2, NM_001354245.2); c.4147-6G>A (NM_001354253.2, NM_001354270.2); c.4111-6G>A (NM_001354257.2, NM_001386156.1); c.4186-6G>A (NM_001354249.2, NM_001354266.2, NM_001354276.2 and 2 more transcripts); c.4186-1958G>A (NM_001386146.1, NM_001386150.1, NM_001386149.1 and 1 more transcripts); c.4171-1958G>A (NM_001386142.1, NM_001354274.2, NM_001386154.1); c.4087-6G>A (NM_001386151.1, NM_001354260.2, NM_001354271.2); and 33 more.
Identifiers: ClinVar variation 4887940 (VCV004887940.1).